The following is an entry in ClinVar:

NM_020347.4(LZTFL1):c.264del (p.Phe88fs)

Gene: LZTFL1 (leucine zipper transcription factor like 1; minus strand). Cytogenetic location: 3p21.31.
Variant type: Deletion.
Coding change: c.264del on transcript NM_020347.4 (MANE Select); coding-DNA position 264, one base deleted (T; older notation c.264delT).
Protein change: p.Phe88fs; shifts the reading frame from phenylalanine 88.
Molecular consequence: frameshift variant. On other transcripts: non-coding transcript variant (2).
Genome position (GRCh38, 1-based): chr3:45,835,649, A deleted on the plus strand (T on the coding strand, the reverse complement: LZTFL1 is on the minus strand); the first of 3 consecutive A bases (chr3:45,835,649-45,835,651); deleting any one gives the same sequence. VCF-style (leftmost placement, unchanged base first): chr3-45835648-CA-C. GRCh37 (hg19) VCF-style: chr3-45877140-CA-C.
Other names: c.213del, p.Phe71fs (NM_001276378.2, NM_001386451.1, NM_001405922.1 and 4 more transcripts); c.252del, p.Phe84fs (NM_001276379.2, NM_001405921.1); c.264del, p.Phe88fs (NM_001386452.1, NM_001405924.1); c.288del, p.Phe96fs (NM_001405920.1, NM_001405925.1); short protein forms F71fs, F84fs, F88fs, F96fs.
Identifiers: ClinVar variation 3355445 (VCV003355445.3).

ClinVar aggregate classification (germline): Pathogenic. Review status: criteria provided, single submitter (1 of 4 stars). 2 submissions from 2 submitters: Pathogenic (1). 1 of the submissions does not count toward it. Last evaluated 2025-06-12.

Conditions:
LZTFL1-related disorder. Also called: LZTFL1-related condition.

Submissions (2):

Labcorp Genetics (formerly Invitae), Labcorp
Classification: Pathogenic. Last evaluated: 2025-06-12. Review status: criteria provided, single submitter. Criteria: Invitae Variant Classification Sherloc (09022015). Collection method: clinical testing. Allele origin: germline.
Comment: This sequence change creates a premature translational stop signal (p.Phe88Leufs*24) in the LZTFL1 gene. It is expected to result in an absent or disrupted protein product. Loss-of-function variants in LZTFL1 are known to be pathogenic (PMID: 22510444, 23692385). This variant is present in population databases (rs757490231, gnomAD 0.007%). This variant has not been reported in the literature in individuals affected with LZTFL1-related conditions. ClinVar contains an entry for this variant (Variation ID: 3355445). For these reasons, this variant has been classified as Pathogenic.

PreventionGenetics, part of Exact Sciences
Classification: Likely pathogenic for LZTFL1-related condition. Last evaluated: 2024-04-05. Review status: no assertion criteria provided. Collection method: clinical testing. Allele origin: germline. Not counted in ClinVar's aggregate classification.
Comment: The LZTFL1 c.264delT variant is predicted to result in a frameshift and premature protein termination (p.Phe88Leufs*24). To our knowledge, this variant has not been reported in the literature. This variant is reported in 0.0062% of alleles in individuals of African descent in gnomAD. Frameshift variants in LZTFL1 are expected to be pathogenic (Schaefer et al. 2014. PubMed ID: 23692385; Marion et al. 2012. PubMed ID: 22510444). This variant is interpreted as likely pathogenic.

Literature cited by the submitters: PubMed 22510444 (cited by Labcorp Genetics (formerly Invitae), Labcorp); PubMed 23692385 (cited by Labcorp Genetics (formerly Invitae), Labcorp).